The following is an entry in ClinVar:

NM_004329.3(BMPR1A):c.1242C>G (p.Asp414Glu)

Gene: BMPR1A (bone morphogenetic protein receptor type 1A; plus strand). Cytogenetic location: 10q23.2.
Variant type: single nucleotide variant.
Coding change: c.1242C>G on transcript NM_004329.3 (MANE Select); coding-DNA position 1242, C replaced by G.
Protein change: p.Asp414Glu; replaces aspartic acid 414 with glutamic acid.
Molecular consequence: missense variant.
Genome position (GRCh38, 1-based): chr10:86,921,595, C>G. VCF-style: chr10-86921595-C-G. GRCh37 (hg19) VCF-style: chr10-88681352-C-G.
Other names: short protein forms D414E.
Identifiers: ClinVar variation 489684 (VCV000489684.15), dbSNP rs767296986, ClinGen allele CA377462075.
Genomic context (GRCh38, chr10:86,921,595, plus strand): 5'-TGATGTGCCCTTGAATACCAGGGTGGGCACCAAACGCTACATGGCTCCCGAAGTGCTGGA[C>G]GAAAGCCTGAACAAAAACCACTTCCAGCCCTACATCATGGCTGACATCTACAGCTTCGGC-3'
Protein context (NP_004320.2, residues 404-424): TKRYMAPEVL[Asp414Glu]ESLNKNHFQP

ClinVar aggregate classification (germline): Uncertain significance. Review status: criteria provided, multiple submitters, no conflicts (2 of 4 stars). 3 submissions from 3 submitters: Uncertain significance (3). Last evaluated 2023-12-04.

Conditions:
Juvenile polyposis syndrome (JPS). Identifiers: Orphanet 2929, MedGen C0345893, MONDO:0017380, OMIM 174900.
Hereditary cancer-predisposing syndrome. Also called: Tumor predisposition; Neoplastic Syndromes, Hereditary; Hereditary Cancer Syndrome; Hereditary neoplastic syndrome. Identifiers: Orphanet 140162, MedGen C0027672, MeSH D009386, MONDO:0015356.

gnomAD v4.1: 1 of 1,614,152 alleles (0.000062%); highest among the groups gnomAD compares: Non-Finnish European, 0.000085%; no homozygotes.

Submissions (3):

Color Diagnostics, LLC DBA Color Health
Classification: Uncertain significance for Hereditary cancer-predisposing syndrome. Last evaluated: 2023-12-04. Review status: criteria provided, single submitter. Criteria: ACMG Guidelines, 2015. Collection method: clinical testing. Allele origin: germline.
Comment: This missense variant replaces aspartic acid with glutamic acid at codon 414 of the BMPR1A protein. Computational prediction suggests that this variant may not impact protein structure and function (internally defined REVEL score threshold <= 0.5, PMID: 27666373). To our knowledge, functional studies have not been reported for this variant. This variant has not been reported in individuals affected with BMPR1A-related disorders in the literature. This variant has not been identified in the general population by the Genome Aggregation Database (gnomAD). The available evidence is insufficient to determine the role of this variant in disease conclusively. Therefore, this variant is classified as a Variant of Uncertain Significance.

Ambry Genetics
Classification: Uncertain significance for Hereditary cancer-predisposing syndrome. Last evaluated: 2022-03-16. Review status: criteria provided, single submitter. Criteria: Ambry Variant Classification Scheme 2023. Collection method: clinical testing. Allele origin: germline.
Comment: The p.D414E variant (also known as c.1242C>G), located in coding exon 9 of the BMPR1A gene, results from a C to G substitution at nucleotide position 1242. The aspartic acid at codon 414 is replaced by glutamic acid, an amino acid with highly similar properties. This amino acid position is conserved. In addition, this alteration is predicted to be tolerated by in silico analysis. Since supporting evidence is limited at this time, the clinical significance of this alteration remains unclear.

Labcorp Genetics (formerly Invitae), Labcorp
Classification: Uncertain significance for Juvenile polyposis syndrome. Last evaluated: 2022-02-10. Review status: criteria provided, single submitter. Criteria: Invitae Variant Classification Sherloc (09022015). Collection method: clinical testing. Allele origin: germline.
Comment: In summary, the available evidence is currently insufficient to determine the role of this variant in disease. Therefore, it has been classified as a Variant of Uncertain Significance. Advanced modeling of protein sequence and biophysical properties (such as structural, functional, and spatial information, amino acid conservation, physicochemical variation, residue mobility, and thermodynamic stability) performed at Invitae indicates that this missense variant is not expected to disrupt BMPR1A protein function. ClinVar contains an entry for this variant (Variation ID: 489684). This variant has not been reported in the literature in individuals affected with BMPR1A-related conditions. This variant is not present in population databases (gnomAD no frequency). This sequence change replaces aspartic acid, which is acidic and polar, with glutamic acid, which is acidic and polar, at codon 414 of the BMPR1A protein (p.Asp414Glu).